The following is an entry in ClinVar:

ClinVar aggregate classification (germline): Pathogenic (1 of 4 stars; one submission).

Conditions:
Duchenne muscular dystrophy (DMD). Also called: MUSCULAR DYSTROPHY, PSEUDOHYPERTROPHIC PROGRESSIVE, DUCHENNE TYPE; Duchenne Muscular Dystrophy (DMD). Identifiers: Orphanet 98896, MedGen C0013264, MONDO:0010679, OMIM 310200.

Submission:

Labcorp Genetics (formerly Invitae), Labcorp
Classification: Pathogenic for Duchenne muscular dystrophy. Last evaluated: 2020-06-16. Review status: criteria provided, single submitter. Criteria: Invitae Variant Classification Sherloc (09022015). Collection method: clinical testing. Allele origin: germline.
Comment: For these reasons, this variant has been classified as Pathogenic. Donor and acceptor splice site variants typically lead to a loss of protein function (PMID: 16199547), and loss-of-function variants in DMD are known to be pathogenic (PMID: 16770791, 25007885). Algorithms developed to predict the effect of sequence changes on RNA splicing suggest that this variant may disrupt the consensus splice site, but this prediction has not been confirmed by published transcriptional studies. Disruption of this splice site has been observed in individual(s) with Duchenne muscular dystrophy (PMID: 29973226, 28859693). This variant is not present in population databases (ExAC no frequency). This sequence change affects a donor splice site in intron 32 of the DMD gene. It is expected to disrupt RNA splicing and likely results in an absent or disrupted protein product.

Literature cited by the submitters: PubMed 16199547; PubMed 16770791; PubMed 25007885; PubMed 29973226; PubMed 28859693.

NM_004006.3(DMD):c.4518+2T>G

Gene: DMD (dystrophin; minus strand). Cytogenetic location: Xp21.1.
Variant type: single nucleotide variant.
Coding change: c.4518+2T>G on transcript NM_004006.3 (MANE Select); the canonical splice donor site of the intron after coding-DNA position 4518, T replaced by G.
Molecular consequence: splice donor variant.
Genome position (GRCh38, 1-based): chrX:32,389,499, A>C on the plus strand (T>G on the coding strand, the complement: DMD is on the minus strand). VCF-style: chrX-32389499-A-C. GRCh37 (hg19) VCF-style: chrX-32407616-A-C.
Other names: c.4494+2T>G (NM_000109.4); c.495+2T>G (NM_004011.4); c.486+2T>G (NM_004012.4); c.4506+2T>G (NM_004009.3); c.4149+2T>G (NM_004010.3).
Identifiers: ClinVar variation 1071576 (VCV001071576.10), dbSNP rs2147610382, ClinGen allele CA412662897.